The following is an entry in ClinVar:

NM_012144.4(DNAI1):c.1168G>T (p.Asp390Tyr)

Gene: DNAI1 (dynein axonemal intermediate chain 1; plus strand). Cytogenetic location: 9p13.3.
Variant type: single nucleotide variant.
Coding change: c.1168G>T on transcript NM_012144.4 (MANE Select); coding-DNA position 1168, G replaced by T.
Protein change: p.Asp390Tyr; replaces aspartic acid 390 with tyrosine.
Molecular consequence: missense variant.
Genome position (GRCh38, 1-based): chr9:34,506,731, G>T. VCF-style: chr9-34506731-G-T. GRCh37 (hg19) VCF-style: chr9-34506729-G-T.
Other names: p.Asp390Tyr; c.1180G>T, p.Asp394Tyr (NM_001281428.2); short protein forms D390Y, D394Y.
Identifiers: ClinVar variation 4795797 (VCV004795797.1).
Genomic context (GRCh38, chr9:34,506,731, plus strand): 5'-CTGAAGAACCCCAGCTTCCCTGAGTACATGTTCAGCAGCAACAGCGGCGTCATGTGTCTC[G>T]ACATCCACGTGGACCACCCCTACCTGGTGGCAGTAGGCCACTATGACGGCAACGTGGCCA-3'
Protein context (NP_036276.1, residues 380-400): FSSNSGVMCL[Asp390Tyr]IHVDHPYLVA

ClinVar aggregate classification (germline): Uncertain significance (1 of 4 stars; one submission).

Conditions:
Kartagener syndrome (CILD1). Also called: SIEWERT SYNDROME; CILIARY DYSKINESIA, PRIMARY, 1; CILIARY DYSKINESIA, PRIMARY, 1, WITH OR WITHOUT SITUS INVERSUS; IMMOTILE CILIA SYNDROME; POLYNESIAN BRONCHIECTASIS; Dextrocardia bronchiectasis and sinusitis. Identifiers: Orphanet 244, MedGen C4551906, MONDO:0009484, OMIM 244400.

Submission:

Coskunpinar Laboratory, Saglik Bilimleri University, Hamidiye School of Medicine
Classification: Uncertain significance for Kartagener syndrome. Last evaluated: 2026-02-02. Review status: criteria provided, single submitter. Criteria: ACMG Guidelines, 2015. Collection method: research. Allele origin: germline. Affected: yes. Observed: 1 variant allele, 1 homozygote.
Comment: Novel missense variant in established primary ciliary dyskinesia disease gene (OMIM:244400) classified as uncertain significance by Qiagen Clinical Insight Interpret Classification which implements ACMG/AMP variant interpretation guidelines. No definitive pathogenic or benign evidence currently available.